The following is an entry in ClinVar:

ClinVar aggregate classification (germline): Likely pathogenic (1 of 4 stars; one submission).

Conditions:
Hereditary hemochromatosis (HFE). Identifiers: MedGen C0392514, MONDO:0006507. Disease mechanism: loss of function.

Allele frequency attached by ClinVar (database versions not stated): TOPMed 0.00001.

Submission:

Labcorp Genetics (formerly Invitae), Labcorp
Classification: Likely pathogenic for Hereditary hemochromatosis. Last evaluated: 2022-05-27. Review status: criteria provided, single submitter. Criteria: Invitae Variant Classification Sherloc (09022015). Collection method: clinical testing. Allele origin: germline.
Comment: This variant has not been reported in the literature in individuals affected with TFR2-related conditions. In summary, the currently available evidence indicates that the variant is pathogenic, but additional data are needed to prove that conclusively. Therefore, this variant has been classified as Likely Pathogenic. Algorithms developed to predict the effect of sequence changes on RNA splicing suggest that this variant may disrupt the consensus splice site. This sequence change affects a donor splice site in intron 6 of the TFR2 gene. It is expected to disrupt RNA splicing. Variants that disrupt the donor or acceptor splice site typically lead to a loss of protein function (PMID: 16199547), and loss-of-function variants in TFR2 are known to be pathogenic (PMID: 23600741, 26029709). This variant is not present in population databases (gnomAD no frequency).

Literature cited by the submitters: PubMed 16199547; PubMed 23600741; PubMed 26029709.

NM_003227.4(TFR2):c.849+1G>T

Gene: TFR2 (transferrin receptor 2; minus strand). Cytogenetic location: 7q22.1.
Variant type: single nucleotide variant.
Coding change: c.849+1G>T on transcript NM_003227.4 (MANE Select); the canonical splice donor site of the intron after coding-DNA position 849, G replaced by T.
Molecular consequence: splice donor variant.
Genome position (GRCh38, 1-based): chr7:100,633,000, C>A on the plus strand (G>T on the coding strand, the complement: TFR2 is on the minus strand). VCF-style: chr7-100633000-C-A. GRCh37 (hg19) VCF-style: chr7-100230623-C-A.
Other names: c.336+1G>T (NM_001206855.3).
Identifiers: ClinVar variation 1978027 (VCV001978027.5), dbSNP rs1389208146, ClinGen allele CA368533475.
Genomic context (GRCh38, chr7:100,633,000, plus strand): 5'-ACTGGCAGTCCGACCCTCCGGTTCCCGGGCTCAAGCCCTCCCTCTGTCCAGGGACACTTA[C>A]CTTCTGGGCGAAGCTGATCACCCCCACGCGCACCAGCAGCAGGCGGCCCACTGGATCCAC-3'